The following is an entry in ClinVar:

ClinVar aggregate classification (germline): Uncertain significance. Review status: criteria provided, multiple submitters, no conflicts (2 of 4 stars). 2 submissions from 2 submitters: Uncertain significance (2). Last evaluated 2024-10-18.

Conditions:
Hereditary cancer-predisposing syndrome. Also called: Neoplastic Syndromes, Hereditary; Tumor predisposition; Hereditary neoplastic syndrome; Hereditary Cancer Syndrome. Identifiers: Orphanet 140162, MedGen C0027672, MeSH D009386, MONDO:0015356.

Allele frequency attached by ClinVar (database versions not stated): gnomAD exomes below 0.00001.
gnomAD v4.1: 4 of 1,614,212 alleles (0.00025%); highest among the groups gnomAD compares: Non-Finnish European, 0.00034%; no homozygotes.

Submissions (2):

Ambry Genetics
Classification: Uncertain significance for Hereditary cancer-predisposing syndrome. Last evaluated: 2024-10-18. Review status: criteria provided, single submitter. Criteria: Ambry Variant Classification Scheme 2023. Collection method: clinical testing. Allele origin: germline.
Comment: The p.Y722N variant (also known as c.2164T>A), located in coding exon 11 of the BARD1 gene, results from a T to A substitution at nucleotide position 2164. The tyrosine at codon 722 is replaced by asparagine, an amino acid with dissimilar properties. This amino acid position is highly conserved in available vertebrate species. In addition, this alteration is predicted to be deleterious by in silico analysis. Since supporting evidence is limited at this time, the clinical significance of this alteration remains unclear.

Color Diagnostics, LLC DBA Color Health
Classification: Uncertain significance for Hereditary cancer-predisposing syndrome. Last evaluated: 2023-12-05. Review status: criteria provided, single submitter. Criteria: ACMG Guidelines, 2015. Collection method: clinical testing. Allele origin: germline.
Comment: This missense variant replaces tyrosine with asparagine at codon 722 of the BARD1 protein. Computational prediction is inconclusive regarding the impact of this variant on protein structure and function (internally defined REVEL score threshold 0.5 < inconclusive < 0.7, PMID: 27666373). To our knowledge, functional studies have not been reported for this variant. This variant has not been reported in individuals affected with BARD1-related disorders in the literature. This variant has not been identified in the general population by the Genome Aggregation Database (gnomAD). The available evidence is insufficient to determine the role of this variant in disease conclusively. Therefore, this variant is classified as a Variant of Uncertain Significance.

NM_000465.4(BARD1):c.2164T>A (p.Tyr722Asn)

Gene: BARD1 (BRCA1 associated RING domain 1; minus strand). Cytogenetic location: 2q35.
Variant type: single nucleotide variant.
Coding change: c.2164T>A on transcript NM_000465.4 (MANE Select); coding-DNA position 2164, T replaced by A.
Protein change: p.Tyr722Asn; replaces tyrosine 722 with asparagine.
Molecular consequence: missense variant. On other transcripts: non-coding transcript variant (3).
Genome position (GRCh38, 1-based): chr2:214,728,846, A>T on the plus strand (T>A on the coding strand, the complement: BARD1 is on the minus strand). VCF-style: chr2-214728846-A-T. GRCh37 (hg19) VCF-style: chr2-215593570-A-T.
Other names: c.2107T>A, p.Tyr703Asn (NM_001282543.2); c.811T>A, p.Tyr271Asn (NM_001282545.2); c.754T>A, p.Tyr252Asn (NM_001282548.2); c.625T>A, p.Tyr209Asn (NM_001282549.2); short protein forms Y722N, Y209N, Y252N, Y703N, Y271N.
Identifiers: ClinVar variation 628948 (VCV000628948.10), dbSNP rs1553612144, ClinGen allele CA350450428.